The following is an entry in ClinVar:

ClinVar aggregate classification (germline): Uncertain significance. Review status: criteria provided, multiple submitters, no conflicts (2 of 4 stars). 2 submissions from 2 submitters: Uncertain significance (2). Last evaluated 2025-12-09.

Conditions:
Cardiovascular phenotype. Identifiers: MedGen CN230736.
RASopathy. Also called: Noonan spectrum disorder; rasopathies. Identifiers: Orphanet 536391, MedGen C5555857, MONDO:0021060.

Allele frequency attached by ClinVar (database versions not stated): gnomAD 0.00001.
gnomAD v4.1: 1 of 1,614,068 alleles (0.000062%); highest among the groups gnomAD compares: African/African-American, 0.0013%; no homozygotes.

Submissions (2):

Labcorp Genetics (formerly Invitae), Labcorp
Classification: Uncertain significance for RASopathy. Last evaluated: 2025-12-09. Review status: criteria provided, single submitter. Criteria: Invitae Variant Classification Sherloc (09022015). Collection method: clinical testing. Allele origin: germline.
Comment: This sequence change replaces proline, which is neutral and non-polar, with serine, which is neutral and polar, at codon 573 of the CBL protein (p.Pro573Ser). The frequency data for this variant in the population databases is considered unreliable, as metrics indicate poor data quality at this position in the gnomAD database. This variant has not been reported in the literature in individuals affected with CBL-related conditions. ClinVar contains an entry for this variant (Variation ID: 2981994). Invitae Evidence Modeling of protein sequence and biophysical properties (such as structural, functional, and spatial information, amino acid conservation, physicochemical variation, residue mobility, and thermodynamic stability) indicates that this missense variant is not expected to disrupt CBL protein function with a negative predictive value of 95%. In summary, the available evidence is currently insufficient to determine the role of this variant in disease. Therefore, it has been classified as a Variant of Uncertain Significance.

Ambry Genetics
Classification: Uncertain significance for Cardiovascular phenotype. Last evaluated: 2024-11-28. Review status: criteria provided, single submitter. Criteria: Ambry Variant Classification Scheme 2023. Collection method: clinical testing. Allele origin: germline.
Comment: The p.P573S variant (also known as c.1717C>T), located in coding exon 11 of the CBL gene, results from a C to T substitution at nucleotide position 1717. The proline at codon 573 is replaced by serine, an amino acid with similar properties. This amino acid position is conserved. In addition, this alteration is predicted to be tolerated by in silico analysis. Based on the available evidence, the clinical significance of this variant remains unclear.

NM_005188.4(CBL):c.1717C>T (p.Pro573Ser)

Gene: CBL (Cbl proto-oncogene; plus strand). Cytogenetic location: 11q23.3.
Variant type: single nucleotide variant.
Coding change: c.1717C>T on transcript NM_005188.4 (MANE Select); coding-DNA position 1717, C replaced by T.
Protein change: p.Pro573Ser; replaces proline 573 with serine.
Molecular consequence: missense variant.
Genome position (GRCh38, 1-based): chr11:119,285,342, C>T. VCF-style: chr11-119285342-C-T. GRCh37 (hg19) VCF-style: chr11-119156052-C-T.
Other names: c.1717C>T (NM_005188.2); short protein forms P573S.
Identifiers: ClinVar variation 2981994 (VCV002981994.4), dbSNP rs996627039, ClinGen allele CA229642364.
Genomic context (GRCh38, chr11:119,285,342, plus strand): 5'-TCTGTTGGAGCAGAATCCCGACCTCAAAGACGCCCCTTGCCTTGTACACCAGGCGACTGT[C>T]CCTCCAGAGACAAACTGCCCCCTGTCCCCTCTAGCCGCCTTGGAGACTCATGGCTGCCCC-3'
Protein context (NP_005179.2, residues 563-583): RPLPCTPGDC[Pro573Ser]SRDKLPPVPS